The following is an entry in ClinVar:

ClinVar aggregate classification (germline): Uncertain significance (1 of 4 stars; one submission).

Conditions:
Platelet-type bleeding disorder 16 (BDPLT16). Also called: Bleeding disorder, platelet-type, 16, autosomal dominant. Identifiers: Orphanet 140957, MedGen C5442010, MONDO:0008552, OMIM 187800.

Allele frequency attached by ClinVar (database versions not stated): ExAC 0.00001.
gnomAD v4.1: 2 of 1,613,230 alleles (0.00012%); no homozygotes.

Submission:

MGZ Medical Genetics Center
Classification: Uncertain significance for Platelet-type bleeding disorder 16. Last evaluated: 2022-08-25. Review status: criteria provided, single submitter. Criteria: ACMG Guidelines, 2015. Collection method: clinical testing. Allele origin: germline. Affected: yes. Observed: 2 variant alleles.
Comment: ACMG criteria applied: PM2_SUP, BP4

NM_000419.5(ITGA2B):c.2521T>C (p.Ser841Pro)

Gene: ITGA2B (integrin subunit alpha 2b; minus strand). Cytogenetic location: 17q21.31.
Variant type: single nucleotide variant.
Coding change: c.2521T>C on transcript NM_000419.5 (MANE Select); coding-DNA position 2521, T replaced by C.
Protein change: p.Ser841Pro; replaces serine 841 with proline.
Molecular consequence: missense variant.
Genome position (GRCh38, 1-based): chr17:44,375,913, A>G on the plus strand (T>C on the coding strand, the complement: ITGA2B is on the minus strand). VCF-style: chr17-44375913-A-G. GRCh37 (hg19) VCF-style: chr17-42453281-A-G.
Other names: short protein forms S841P.
Identifiers: ClinVar variation 1709769 (VCV001709769.2), dbSNP rs1555613388, ClinGen allele CA8602659.
Genomic context (GRCh38, chr17:44,375,913, plus strand): 5'-GCTGTGGGAAGCACTGAAGGCCCCCCTGGGGCTGTATATCCAGGATGTAGAGCAGGTCGG[A>G]GGGCTGGGACTGTCCCGGAAGGTGGATGCTGAGGTGAAGACCATTCACAGTCCCAGGGCC-3'
Protein context (NP_000410.2, residues 831-851): SIHLPGQSQP[Ser841Pro]DLLYILDIQP